The following is an entry in ClinVar:

ClinVar aggregate classification (germline): Likely pathogenic (1 of 4 stars; one submission).

Conditions:
Goldberg-Shprintzen syndrome. Identifiers: Orphanet 66629, MedGen C1836123, MONDO:0012280, OMIM 609460.

Submission:

Laboratory of Medical Genetics, National & Kapodistrian University of Athens
Classification: Likely pathogenic for Goldberg-Shprintzen syndrome. Last evaluated: 2021-08-10. Review status: criteria provided, single submitter. Criteria: ACMG Guidelines, 2015. Collection method: clinical testing. Allele origin: maternal. Affected: yes.
Comment: PVS1, PM1, PM2

NM_033116.6(NEK9):c.219G>C (p.Glu73Asp)

Gene: NEK9 (NIMA related kinase 9; minus strand). Cytogenetic location: 14q24.3.
Variant type: single nucleotide variant.
Coding change: c.219G>C on transcript NM_033116.6 (MANE Select); coding-DNA position 219, G replaced by C.
Protein change: p.Glu73Asp; replaces glutamic acid 73 with aspartic acid.
Molecular consequence: missense variant. On other transcripts: intron variant (1).
Genome position (GRCh38, 1-based): chr14:75,126,703, C>G on the plus strand (G>C on the coding strand, the complement: NEK9 is on the minus strand). VCF-style: chr14-75126703-C-G. GRCh37 (hg19) VCF-style: chr14-75593406-C-G.
Other names: c.219G>C, p.Glu73Asp (NM_001329237.2); c.-136+202G>C (NM_001329238.2); short protein forms E73D.
Identifiers: ClinVar variation 1299543 (VCV001299543.1), dbSNP rs2139820216, ClinGen allele CA390454733.